The following is an entry in ClinVar:

NM_000081.4(LYST):c.4112G>A (p.Cys1371Tyr)

Gene: LYST (lysosomal trafficking regulator; minus strand). Cytogenetic location: 1q42.3.
Variant type: single nucleotide variant.
Coding change: c.4112G>A on transcript NM_000081.4 (MANE Select); coding-DNA position 4112, G replaced by A.
Protein change: p.Cys1371Tyr; replaces cysteine 1371 with tyrosine.
Molecular consequence: missense variant.
Genome position (GRCh38, 1-based): chr1:235,793,507, C>T on the plus strand (G>A on the coding strand, the complement: LYST is on the minus strand). VCF-style: chr1-235793507-C-T. GRCh37 (hg19) VCF-style: chr1-235956807-C-T.
Other names: c.4112G>A, p.Cys1371Tyr (NM_001301365.1); short protein forms C1371Y.
Identifiers: ClinVar variation 2747044 (VCV002747044.3), dbSNP rs2526932514, ClinGen allele CA344960618.
Genomic context (GRCh38, chr1:235,793,507, plus strand): 5'-AAATTGTAAGTGAAAGAATTTATCAGTGAAAAATGTAAAAATTATAGCATATTTACTGTA[C>T]AAGGAGATTTCTCCAGAAATATTCTCAAAAGAAGGGTTAGCTCTTCTGAACATGTTCTTG-3'
Protein context (NP_000072.2, residues 1361-1381): LLRIFLEKSP[Cys1371Tyr]TKILLLGILK

ClinVar aggregate classification (germline): Uncertain significance (1 of 4 stars; one submission).

Conditions:
Chédiak-Higashi syndrome (CHS). Also called: Chediak-Higashi Syndrome. Identifiers: Orphanet 167, MedGen C0007965, MONDO:0008963, OMIM 214500.

Submission:

Labcorp Genetics (formerly Invitae), Labcorp
Classification: Uncertain significance for Chédiak-Higashi syndrome. Last evaluated: 2024-10-16. Review status: criteria provided, single submitter. Criteria: Invitae Variant Classification Sherloc (09022015). Collection method: clinical testing. Allele origin: germline.
Comment: This sequence change replaces cysteine, which is neutral and slightly polar, with tyrosine, which is neutral and polar, at codon 1371 of the LYST protein (p.Cys1371Tyr). This variant is not present in population databases (gnomAD no frequency). This variant has not been reported in the literature in individuals affected with LYST-related conditions. Invitae Evidence Modeling of protein sequence and biophysical properties (such as structural, functional, and spatial information, amino acid conservation, physicochemical variation, residue mobility, and thermodynamic stability) indicates that this missense variant is not expected to disrupt LYST protein function with a negative predictive value of 80%. In summary, the available evidence is currently insufficient to determine the role of this variant in disease. Therefore, it has been classified as a Variant of Uncertain Significance.